The following is an entry in ClinVar:

ClinVar aggregate classification (germline): Uncertain significance (1 of 4 stars; one submission).

Submission:

Labcorp Genetics (formerly Invitae), Labcorp
Classification: Uncertain significance. Last evaluated: 2025-12-02. Review status: criteria provided, single submitter. Criteria: Invitae Variant Classification Sherloc (09022015). Collection method: clinical testing. Allele origin: germline.
Comment: This sequence change replaces phenylalanine, which is neutral and non-polar, with leucine, which is neutral and non-polar, at codon 84 of the FBXW7 protein (p.Phe84Leu). This variant is not present in population databases (gnomAD no frequency). This missense change has been observed in individual(s) with clinical features of FBXW7-related conditions (internal data). Experimental studies and prediction algorithms are not available or were not evaluated, and the functional significance of this variant is currently unknown. In summary, the available evidence is currently insufficient to determine the role of this variant in disease. Therefore, it has been classified as a Variant of Uncertain Significance.

NM_001349798.2(FBXW7):c.252T>G (p.Phe84Leu)

Gene: FBXW7 (F-box and WD repeat domain containing 7; minus strand). Cytogenetic location: 4q31.3.
Variant type: single nucleotide variant.
Coding change: c.252T>G on transcript NM_001349798.2 (MANE Select); coding-DNA position 252, T replaced by G.
Protein change: p.Phe84Leu; replaces phenylalanine 84 with leucine.
Molecular consequence: missense variant.
Genome position (GRCh38, 1-based): chr4:152,411,552, A>C on the plus strand (T>G on the coding strand, the complement: FBXW7 is on the minus strand). VCF-style: chr4-152411552-A-C. GRCh37 (hg19) VCF-style: chr4-153332704-A-C.
Other names: c.252T>G, p.Phe84Leu (NM_001257069.1, NM_033632.3); short protein forms F84L.
Identifiers: ClinVar variation 4710664 (VCV004710664.1).